The following is an entry in ClinVar:

NM_000548.5(TSC2):c.2146T>G (p.Ser716Ala)

Gene: TSC2 (TSC complex subunit 2; plus strand). Cytogenetic location: 16p13.3.
Variant type: single nucleotide variant.
Coding change: c.2146T>G on transcript NM_000548.5 (MANE Select); coding-DNA position 2146, T replaced by G.
Protein change: p.Ser716Ala; replaces serine 716 with alanine.
Molecular consequence: missense variant.
Genome position (GRCh38, 1-based): chr16:2,072,289, T>G. VCF-style: chr16-2072289-T-G. GRCh37 (hg19) VCF-style: chr16-2122290-T-G.
Other names: c.1999T>G, p.Ser667Ala (NM_001406676.1, NM_001406679.1, NM_001318829.2 and 1 more transcripts); c.2089T>G, p.Ser697Ala (NM_001406677.1); c.2035T>G, p.Ser679Ala (NM_001406678.1, NM_001318827.2, NM_001406670.1); c.1546T>G, p.Ser516Ala (NM_001406680.1, NM_001406682.1, NM_001406683.1 and 6 more transcripts); c.1684T>G, p.Ser562Ala (NM_001406681.1); c.2146T>G, p.Ser716Ala (NM_001077183.3, NM_001114382.3, NM_001363528.2 and 6 more transcripts); c.2179T>G, p.Ser727Ala (NM_001318832.2); c.2236T>G, p.Ser746Ala (NM_001406667.1, NM_001406668.1); and 3 more; short protein forms S182A, S268A, S516A, S562A, S667A, S679A, S697A, S712A.
Identifiers: ClinVar variation 1809594 (VCV001809594.3), dbSNP rs1203066126, ClinGen allele CA394274843.

ClinVar aggregate classification (germline): Uncertain significance. Review status: criteria provided, multiple submitters, no conflicts (2 of 4 stars). 3 submissions from 3 submitters: Uncertain significance (3). Last evaluated 2025-05-29.

Conditions:
Hereditary cancer-predisposing syndrome. Also called: Tumor predisposition; Neoplastic Syndromes, Hereditary; Hereditary neoplastic syndrome; Hereditary Cancer Syndrome. Identifiers: Orphanet 140162, MedGen C0027672, MeSH D009386, MONDO:0015356.
Tuberous sclerosis syndrome (TSC). Also called: Tuberous Sclerosis Complex; Tuberous sclerosis. Identifiers: Orphanet 805, MedGen C0041341, MONDO:0001734.

Submissions (3):

Ambry Genetics
Classification: Uncertain significance for Hereditary cancer-predisposing syndrome. Last evaluated: 2025-05-29. Review status: criteria provided, single submitter. Criteria: Ambry Variant Classification Scheme 2023. Collection method: clinical testing. Allele origin: germline.
Comment: The p.S716A variant (also known as c.2146T>G), located in coding exon 19 of the TSC2 gene, results from a T to G substitution at nucleotide position 2146. The serine at codon 716 is replaced by alanine, an amino acid with similar properties. This amino acid position is conserved. In addition, the in silico prediction for this alteration is inconclusive. Based on the available evidence, the clinical significance of this variant remains unclear.

All of Us Research Program, National Institutes of Health
Classification: Uncertain significance for Tuberous sclerosis syndrome. Last evaluated: 2023-08-08. Review status: criteria provided, single submitter. Criteria: ACMG Guidelines, 2015. Collection method: clinical testing. Allele origin: germline. Inheritance: Autosomal dominant inheritance. Observed: 1 variant allele, 1 heterozygote.
Comment: This missense variant replaces serine with alanine at codon 716 of the TSC2 protein. Computational prediction is inconclusive regarding the impact of this variant on protein structure and function (internally defined REVEL score threshold 0.5 < inconclusive < 0.7, PMID: 27666373). To our knowledge, functional studies have not been reported for this variant. This variant has not been reported in individuals affected with TSC2-related disorders in the literature. This variant has been identified in 1/251186 chromosomes in the general population by the Genome Aggregation Database (gnomAD). The available evidence is insufficient to determine the role of this variant in disease conclusively. Therefore, this variant is classified as a Variant of Uncertain Significance.

This study involves interpretation of variants in research participants for the purpose of population health screening. Participant phenotype was not available at the time of variant classification. Additional details can be found in publication PMID: 35346344, PMCID: PMC8962531

Quest Diagnostics Nichols Institute San Juan Capistrano
Classification: Uncertain significance. Last evaluated: 2021-08-27. Review status: criteria provided, single submitter. Criteria: Quest Diagnostics criteria. Collection method: clinical testing. Allele origin: unknown.